The following is an entry in ClinVar:

ClinVar aggregate classification (germline): Uncertain significance. Review status: criteria provided, multiple submitters, no conflicts (2 of 4 stars). 2 submissions from 2 submitters: Uncertain significance (2). Last evaluated 2025-07-27.

Conditions:
Hereditary cancer-predisposing syndrome. Also called: Tumor predisposition; Hereditary neoplastic syndrome; Neoplastic Syndromes, Hereditary; Hereditary Cancer Syndrome. Identifiers: Orphanet 140162, MedGen C0027672, MeSH D009386, MONDO:0015356.
Pheochromocytoma/paraganglioma syndrome 5. Also called: Paragangliomas 5; SDHA-Related Hereditary Paraganglioma-Pheochromocytoma Syndrome. Identifiers: Orphanet 29072, MedGen C3279992, MONDO:0013602, OMIM 614165.
Mitochondrial complex II deficiency, nuclear type 1. Also called: SUCCINATE CoQ REDUCTASE DEFICIENCY. Identifiers: Orphanet 3208, MedGen C5700310, MONDO:0100294, OMIM 252011.

Submissions (2):

Labcorp Genetics (formerly Invitae), Labcorp
Classification: Uncertain significance for Pheochromocytoma/paraganglioma syndrome 5; Mitochondrial complex II deficiency, nuclear type 1. Last evaluated: 2025-07-27. Review status: criteria provided, single submitter. Criteria: Invitae Variant Classification Sherloc (09022015). Collection method: clinical testing. Allele origin: germline.
Comment: This sequence change replaces alanine, which is neutral and non-polar, with valine, which is neutral and non-polar, at codon 193 of the SDHA protein (p.Ala193Val). This variant is not present in population databases (gnomAD no frequency). This variant has not been reported in the literature in individuals affected with SDHA-related conditions. ClinVar contains an entry for this variant (Variation ID: 835415). Invitae Evidence Modeling of protein sequence and biophysical properties (such as structural, functional, and spatial information, amino acid conservation, physicochemical variation, residue mobility, and thermodynamic stability) has been performed for this missense variant. However, the output from this modeling did not meet the statistical confidence thresholds required to predict the impact of this variant on SDHA protein function. In summary, the available evidence is currently insufficient to determine the role of this variant in disease. Therefore, it has been classified as a Variant of Uncertain Significance.

Ambry Genetics
Classification: Uncertain significance for Hereditary cancer-predisposing syndrome. Last evaluated: 2024-03-06. Review status: criteria provided, single submitter. Criteria: Ambry Variant Classification Scheme 2023. Collection method: clinical testing. Allele origin: germline.
Comment: The p.A193V variant (also known as c.578C>T), located in coding exon 5 of the SDHA gene, results from a C to T substitution at nucleotide position 578. The alanine at codon 193 is replaced by valine, an amino acid with similar properties. This amino acid position is conserved. In addition, this alteration is predicted to be deleterious by in silico analysis. Based on the available evidence, the clinical significance of this alteration remains unclear.

NM_004168.4(SDHA):c.578C>T (p.Ala193Val)

Gene: SDHA (succinate dehydrogenase complex flavoprotein subunit A; plus strand). Cytogenetic location: 5p15.33.
Variant type: single nucleotide variant.
Coding change: c.578C>T on transcript NM_004168.4 (MANE Select); coding-DNA position 578, C replaced by T.
Protein change: p.Ala193Val; replaces alanine 193 with valine.
Molecular consequence: missense variant.
Genome position (GRCh38, 1-based): chr5:226,004, C>T. VCF-style: chr5-226004-C-T. GRCh37 (hg19) VCF-style: chr5-226119-C-T.
Other names: c.434C>T, p.Ala145Val (NM_001294332.2); c.578C>T, p.Ala193Val (NM_001330758.2); c.578C>T (NM_004168.2); short protein forms A145V, A193V.
Identifiers: ClinVar variation 835415 (VCV000835415.14), dbSNP rs1734997662, ClinGen allele CA359010530.